The following is an entry in ClinVar:

ClinVar aggregate classification (germline): Benign (0 of 4 stars; one submission).

Conditions:
SNRPA-related disorder. Also called: SNRPA-related condition.

Allele frequency attached by ClinVar (database versions not stated): gnomAD exomes 0.08357; ExAC 0.10577; gnomAD 0.15501; ESP Exome Variant Server 0.15608; TOPMed 0.15827; 1000 Genomes Project 0.18570; 1000 Genomes Project 30x 0.19082.
gnomAD v4.1: 145,960 of 1,609,030 alleles (9.1%); highest among the groups gnomAD compares: African/African-American, 35%; 9,783 homozygotes.

Submission:

PreventionGenetics, part of Exact Sciences
Classification: Benign for SNRPA-related condition. Last evaluated: 2019-10-22. Review status: no assertion criteria provided. Collection method: clinical testing. Allele origin: germline.
Comment: This variant is classified as benign based on ACMG/AMP sequence variant interpretation guidelines (Richards et al. 2015 PMID: 25741868, with internal and published modifications).

NM_004596.5(SNRPA):c.240A>G (p.Lys80=)

Gene: SNRPA (small nuclear ribonucleoprotein polypeptide A; plus strand). Cytogenetic location: 19q13.2.
Variant type: single nucleotide variant.
Coding change: c.240A>G on transcript NM_004596.5 (MANE Select); coding-DNA position 240, A replaced by G.
Protein change: p.Lys80=; no amino-acid change (lysine 80 retained).
Molecular consequence: synonymous variant.
Genome position (GRCh38, 1-based): chr19:40,757,498, A>G. VCF-style: chr19-40757498-A-G. GRCh37 (hg19) VCF-style: chr19-41263403-A-G.
Identifiers: ClinVar variation 3056710 (VCV003056710.2), dbSNP rs2230694, ClinGen allele CA9451456.